The following is an entry in ClinVar:

ClinVar aggregate classification (germline): Uncertain significance (1 of 4 stars; one submission).

Conditions:
Autosomal recessive limb-girdle muscular dystrophy type R18 (LGMDR18). Also called: MUSCULAR DYSTROPHY, LIMB-GIRDLE, AUTOSOMAL RECESSIVE 18; Autosomal recessive limb-girdle muscular dystrophy type 2S; Limb-girdle muscular dystrophy, type 2S. Identifiers: Orphanet 369840, MedGen C4517996, MONDO:0014144, OMIM 615356.

Allele frequency attached by ClinVar (database versions not stated): ExAC 0.00001; gnomAD 0.00001; gnomAD exomes 0.00001 and 0.00002; 1000 Genomes Project 30x 0.00016; 1000 Genomes Project 0.00020.
gnomAD v4.1: 22 of 1,594,778 alleles (0.0014%); highest among the groups gnomAD compares: East Asian, 0.0023%; no homozygotes.

Submission:

Labcorp Genetics (formerly Invitae), Labcorp
Classification: Uncertain significance for Autosomal recessive limb-girdle muscular dystrophy type R18. Last evaluated: 2021-01-15. Review status: criteria provided, single submitter. Criteria: Invitae Variant Classification Sherloc (09022015). Collection method: clinical testing. Allele origin: germline.
Comment: This sequence change replaces valine with methionine at codon 207 of the TRAPPC11 protein (p.Val207Met). The valine residue is moderately conserved and there is a small physicochemical difference between valine and methionine. This variant is present in population databases (rs201181808, ExAC 0.006%). This variant has not been reported in the literature in individuals with TRAPPC11-related disease. Algorithms developed to predict the effect of missense changes on protein structure and function do not agree on the potential impact of this missense change (SIFT: "Deleterious"; PolyPhen-2: "Possibly Damaging"; Align-GVGD: "Class C0"). In summary, the available evidence is currently insufficient to determine the role of this variant in disease. Therefore, it has been classified as a Variant of Uncertain Significance.

NM_021942.6(TRAPPC11):c.619G>A (p.Val207Met)

Gene: TRAPPC11 (trafficking protein particle complex subunit 11; plus strand). Cytogenetic location: 4q35.1.
Variant type: single nucleotide variant.
Coding change: c.619G>A on transcript NM_021942.6 (MANE Select); coding-DNA position 619, G replaced by A.
Protein change: p.Val207Met; replaces valine 207 with methionine.
Molecular consequence: missense variant.
Genome position (GRCh38, 1-based): chr4:183,674,771, G>A. VCF-style: chr4-183674771-G-A. GRCh37 (hg19) VCF-style: chr4-184595924-G-A.
Other names: c.619G>A, p.Val207Met (NM_199053.3); short protein forms V207M.
Identifiers: ClinVar variation 575354 (VCV000575354.9), dbSNP rs201181808, ClinGen allele CA3151637.